The following is an entry in ClinVar:

ClinVar aggregate classification (germline): Pathogenic. Review status: criteria provided, multiple submitters, no conflicts (2 of 4 stars). 3 submissions from 3 submitters: Pathogenic (3). Last evaluated 2024-06-19.

Conditions:
Polycystic kidney disease, adult type (PKD1). Also called: Polycystic Kidney Disease 1, Autosomal Dominant; Polycystic kidney disease 1; Polycystic kidney disease 1, severe; Polycystic Kidney, Autosomal Dominant; POLYCYSTIC KIDNEY DISEASE, ADULT, TYPE I; POLYCYSTIC KIDNEY DISEASE 1 WITH OR WITHOUT POLYCYSTIC LIVER DISEASE. Identifiers: MedGen C3149841, MONDO:0008263, OMIM 173900.

Submissions (3):

Fulgent Genetics
Classification: Pathogenic for Polycystic kidney disease, adult type. Last evaluated: 2024-06-19. Review status: criteria provided, single submitter. Criteria: ACMG Guidelines, 2015. Collection method: clinical testing. Allele origin: germline.

GeneDx
Classification: Pathogenic. Last evaluated: 2022-11-01. Review status: criteria provided, single submitter. Criteria: GeneDx Variant Classification Process June 2021. Collection method: clinical testing. Allele origin: germline. Affected: yes.
Comment: Frameshift variant predicted to result in protein truncation or nonsense mediated decay in a gene for which loss of function is a known mechanism of disease; Not observed at significant frequency in large population cohorts (gnomAD); Has not been previously published as pathogenic or benign to our knowledge

Juno Genomics, Hangzhou Juno Genomics, Inc
Classification: Pathogenic for Polycystic kidney disease, adult type. Review status: criteria provided, single submitter. Criteria: ACMG Guidelines, 2015. Collection method: clinical testing. Allele origin: germline. Affected: yes.
Comment: Absent from controls (or at extremely low frequency if recessive) in Genome Aggregation Database, Exome Sequencing Project, 1000 Genomes Project, or Exome Aggregation Consortium.;Null variant in a gene where loss of function (LOF) is a known mechanism of disease.;The prevalence of the variant in affected individuals is significantly increased compared to the prevalence in controls.;Patient's phenotype or family history is highly specific for a disease with a single genetic etiology.

NM_001009944.3(PKD1):c.6759del (p.Glu2254fs)

Gene: PKD1 (polycystin 1, transient receptor potential channel interacting; minus strand). Cytogenetic location: 16p13.3.
Variant type: Deletion.
Coding change: c.6759del on transcript NM_001009944.3 (MANE Select); coding-DNA position 6759, one base deleted (C; older notation c.6759delC).
Protein change: p.Glu2254fs; shifts the reading frame from glutamic acid 2254.
Molecular consequence: frameshift variant.
Genome position (GRCh38, 1-based): chr16:2,108,408, G deleted on the plus strand (C on the coding strand, the reverse complement: PKD1 is on the minus strand); the first of 5 consecutive G bases (chr16:2,108,408-2,108,412); deleting any one gives the same sequence. VCF-style (leftmost placement, unchanged base first): chr16-2108407-CG-C. GRCh37 (hg19) VCF-style: chr16-2158408-CG-C.
Other names: c.6759del, p.Glu2254fs (NM_000296.4); c.6755delC, p.Glu2254Serfs (NM_001009944.2); short protein forms E2254fs.
Identifiers: ClinVar variation 2499381 (VCV002499381.4), dbSNP rs2544800556, ClinGen allele CA2580090972.
Genomic context (GRCh38, chr16:2,108,407, plus strand): 5'-GGTCCCGTGTGTCTGACCACACGCGGTATGAGCCACCCTCAATGATGGGCACCAGGCGCT[CG>C]GGGGCCACCGTCACATTGGCCTGGATGCTCTGTGTCAGTGGCGTGTCCCCAAATGACACG-3'